The following is an entry in ClinVar:

ClinVar aggregate classification (germline): Uncertain significance (1 of 4 stars; one submission).

Submission:

Labcorp Genetics (formerly Invitae), Labcorp
Classification: Uncertain significance. Last evaluated: 2023-11-07. Review status: criteria provided, single submitter. Criteria: Invitae Variant Classification Sherloc (09022015). Collection method: clinical testing. Allele origin: germline.
Comment: This sequence change replaces threonine, which is neutral and polar, with asparagine, which is neutral and polar, at codon 929 of the COL4A3 protein (p.Thr929Asn). This variant is not present in population databases (gnomAD no frequency). This variant has not been reported in the literature in individuals affected with COL4A3-related conditions. Advanced modeling of protein sequence and biophysical properties (such as structural, functional, and spatial information, amino acid conservation, physicochemical variation, residue mobility, and thermodynamic stability) performed at Invitae indicates that this missense variant is not expected to disrupt COL4A3 protein function with a negative predictive value of 95%. In summary, the available evidence is currently insufficient to determine the role of this variant in disease. Therefore, it has been classified as a Variant of Uncertain Significance.

NM_000091.5(COL4A3):c.2786C>A (p.Thr929Asn)

Genes: COL4A3 (collagen type IV alpha 3 chain; plus strand), MFF-DT (MFF divergent transcript; minus strand). Cytogenetic location: 2q36.3.
Variant type: single nucleotide variant.
Coding change: c.2786C>A on transcript NM_000091.5 (MANE Select); coding-DNA position 2786, C replaced by A.
Protein change: p.Thr929Asn; replaces threonine 929 with asparagine.
Molecular consequence: missense variant.
Genome position (GRCh38, 1-based): chr2:227,284,250, C>A. VCF-style: chr2-227284250-C-A. GRCh37 (hg19) VCF-style: chr2-228148966-C-A.
Other names: short protein forms T929N.
Identifiers: ClinVar variation 2967066 (VCV002967066.3), dbSNP rs2469783893, ClinGen allele CA350851870.